The following is an entry in ClinVar:

ClinVar aggregate classification (germline): Uncertain significance (1 of 4 stars; one submission).

gnomAD v4.1: 1 of 1,613,964 alleles (0.000062%); highest among the groups gnomAD compares: Non-Finnish European, 0.000085%; no homozygotes.

Submission:

CeGaT Center for Human Genetics Tuebingen
Classification: Uncertain significance. Last evaluated: 2026-08-01. Review status: criteria provided, single submitter. Criteria: CeGaT Center For Human Genetics Tuebingen Variant Classification Criteria Version 2. Collection method: clinical testing. Allele origin: germline. Affected: yes. Observed: 1 variant allele.
Comment: FLNC: PM2

NM_001458.5(FLNC):c.3721C>A (p.Arg1241Ser)

Gene: FLNC (filamin C; plus strand). Cytogenetic location: 7q32.1.
Variant type: single nucleotide variant.
Coding change: c.3721C>A on transcript NM_001458.5 (MANE Select); coding-DNA position 3721, C replaced by A.
Protein change: p.Arg1241Ser; replaces arginine 1241 with serine.
Molecular consequence: missense variant.
Genome position (GRCh38, 1-based): chr7:128,845,186, C>A. VCF-style: chr7-128845186-C-A. GRCh37 (hg19) VCF-style: chr7-128485240-C-A.
Other names: c.3721C>A, p.Arg1241Ser (NM_001127487.2); short protein forms R1241S.
Identifiers: ClinVar variation 5038554 (VCV005038554.1).